The following is an entry in ClinVar:

ClinVar aggregate classification (germline): Uncertain significance (1 of 4 stars; one submission).

Conditions:
Alpha thalassemia-X-linked intellectual disability syndrome (ATRX). Also called: X-linked alpha-thalassemia-mental retardation syndrome; ALPHA-THALASSEMIA/IMPAIRED INTELLECTUAL DEVELOPMENT SYNDROME, X-LINKED; ALPHA-THALASSEMIA/MENTAL RETARDATION SYNDROME, X-LINKED; ATR, NONDELETION TYPE; ATR-X syndrome; Alpha thalassemia mental retardation syndrome, nondeletion type, X-linked. Identifiers: Orphanet 847, MedGen C1845055, MONDO:0010519, OMIM 301040.

Allele frequency attached by ClinVar (database versions not stated): gnomAD exomes 0.00001; ExAC 0.00001.

Submission:

Labcorp Genetics (formerly Invitae), Labcorp
Classification: Uncertain significance for Alpha thalassemia-X-linked intellectual disability syndrome. Last evaluated: 2021-01-08. Review status: criteria provided, single submitter. Criteria: Invitae Variant Classification Sherloc (09022015). Collection method: clinical testing. Allele origin: germline.
Comment: Algorithms developed to predict the effect of missense changes on protein structure and function are either unavailable or do not agree on the potential impact of this missense change (SIFT: "Deleterious"; PolyPhen-2: "Probably Damaging"; Align-GVGD: "Class C0"). In summary, the available evidence is currently insufficient to determine the role of this variant in disease. Therefore, it has been classified as a Variant of Uncertain Significance. This sequence change replaces glycine with valine at codon 75 of the ATRX protein (p.Gly75Val). The glycine residue is highly conserved and there is a moderate physicochemical difference between glycine and valine. This variant is present in population databases (rs782198677, ExAC 0.002%). This variant has not been reported in the literature in individuals with ATRX-related conditions.

NM_000489.6(ATRX):c.224G>T (p.Gly75Val)

Gene: ATRX (ATRX chromatin remodeler; minus strand). Cytogenetic location: Xq21.1.
Variant type: single nucleotide variant.
Coding change: c.224G>T on transcript NM_000489.6 (MANE Select); coding-DNA position 224, G replaced by T.
Protein change: p.Gly75Val; replaces glycine 75 with valine.
Molecular consequence: missense variant.
Genome position (GRCh38, 1-based): chrX:77,697,601, C>A on the plus strand (G>T on the coding strand, the complement: ATRX is on the minus strand). VCF-style: chrX-77697601-C-A. GRCh37 (hg19) VCF-style: chrX-76953089-C-A.
Other names: c.224G>T, p.Gly75Val (NM_138270.5); short protein forms G75V.
Identifiers: ClinVar variation 1506062 (VCV001506062.8), dbSNP rs782198677, ClinGen allele CA10458349.